The following is an entry in ClinVar:

NM_001009944.3(PKD1):c.11924C>T (p.Thr3975Ile)

Gene: PKD1 (polycystin 1, transient receptor potential channel interacting; minus strand). Cytogenetic location: 16p13.3.
Variant type: single nucleotide variant.
Coding change: c.11924C>T on transcript NM_001009944.3 (MANE Select); coding-DNA position 11924, C replaced by T.
Protein change: p.Thr3975Ile; replaces threonine 3975 with isoleucine.
Molecular consequence: missense variant.
Genome position (GRCh38, 1-based): chr16:2,090,963, G>A on the plus strand (C>T on the coding strand, the complement: PKD1 is on the minus strand). VCF-style: chr16-2090963-G-A. GRCh37 (hg19) VCF-style: chr16-2140964-G-A.
Other names: c.11921C>T, p.Thr3974Ile (NM_000296.4); short protein forms T3974I, T3975I.
Identifiers: ClinVar variation 1201772 (VCV001201772.3), dbSNP rs760251071, ClinGen allele CA7828940.

ClinVar aggregate classification (germline): Uncertain significance (1 of 4 stars; one submission).

gnomAD v4.1: 3 of 1,549,696 alleles (0.00019%); highest among the groups gnomAD compares: East Asian, 0.0024%; no homozygotes.

Submission:

GeneDx
Classification: Uncertain significance. Last evaluated: 2019-04-04. Review status: criteria provided, single submitter. Criteria: GeneDx Variant Classification Process June 2021. Collection method: clinical testing. Allele origin: germline. Affected: yes.
Comment: Not observed in large population cohorts (Lek et al., 2016); In silico analysis, which includes protein predictors and evolutionary conservation, supports that this variant does not alter protein structure/function; Has not been previously published as pathogenic or benign to our knowledge